The following is an entry in ClinVar:

ClinVar aggregate classification (germline): Uncertain significance. Review status: criteria provided, multiple submitters, no conflicts (2 of 4 stars). 2 submissions from 2 submitters: Uncertain significance (2). Last evaluated 2025-02-21.

Conditions:
Hereditary cancer-predisposing syndrome. Also called: Hereditary neoplastic syndrome; Hereditary Cancer Syndrome; Neoplastic Syndromes, Hereditary; Tumor predisposition. Identifiers: Orphanet 140162, MedGen C0027672, MeSH D009386, MONDO:0015356.

Submissions (2):

Ambry Genetics
Classification: Uncertain significance for Hereditary cancer-predisposing syndrome. Last evaluated: 2025-02-21. Review status: criteria provided, single submitter. Criteria: Ambry Variant Classification Scheme 2023. Collection method: clinical testing. Allele origin: germline.
Comment: The p.H772Y variant (also known as c.2314C>T), located in coding exon 20 of the POLE gene, results from a C to T substitution at nucleotide position 2314. The histidine at codon 772 is replaced by tyrosine, an amino acid with similar properties. This amino acid position is conserved. In addition, the in silico prediction for this alteration is inconclusive. Based on the available evidence, the clinical significance of this variant remains unclear.

Labcorp Genetics (formerly Invitae), Labcorp
Classification: Uncertain significance. Last evaluated: 2020-06-01. Review status: criteria provided, single submitter. Criteria: Invitae Variant Classification Sherloc (09022015). Collection method: clinical testing. Allele origin: germline.
Comment: Algorithms developed to predict the effect of missense changes on protein structure and function are either unavailable or do not agree on the potential impact of this missense change (SIFT: "Tolerated"; PolyPhen-2: "Possibly Damaging"; Align-GVGD: "Class C0"). This sequence change replaces histidine with tyrosine at codon 772 of the POLE protein (p.His772Tyr). The histidine residue is moderately conserved and there is a moderate physicochemical difference between histidine and tyrosine. This variant is not present in population databases (ExAC no frequency). This variant has not been reported in the literature in individuals with POLE-related conditions. In summary, the available evidence is currently insufficient to determine the role of this variant in disease. Therefore, it has been classified as a Variant of Uncertain Significance.

NM_006231.4(POLE):c.2314C>T (p.His772Tyr)

Gene: POLE (DNA polymerase epsilon, catalytic subunit; minus strand). Cytogenetic location: 12q24.33.
Variant type: single nucleotide variant.
Coding change: c.2314C>T on transcript NM_006231.4 (MANE Select); coding-DNA position 2314, C replaced by T.
Protein change: p.His772Tyr; replaces histidine 772 with tyrosine.
Molecular consequence: missense variant.
Genome position (GRCh38, 1-based): chr12:132,667,508, G>A on the plus strand (C>T on the coding strand, the complement: POLE is on the minus strand). VCF-style: chr12-132667508-G-A. GRCh37 (hg19) VCF-style: chr12-133244094-G-A.
Other names: c.2314C>T (NM_006231.2); short protein forms H772Y.
Identifiers: ClinVar variation 1407542 (VCV001407542.9), dbSNP rs2135969174, ClinGen allele CA387352074.